The following is an entry in ClinVar:

ClinVar aggregate classification (germline): Uncertain significance. Review status: criteria provided, multiple submitters, no conflicts (2 of 4 stars). 4 submissions from 4 submitters: Uncertain significance (4). Last evaluated 2025-07-09.

Conditions:
Hereditary cancer-predisposing syndrome. Also called: Neoplastic Syndromes, Hereditary; Tumor predisposition; Hereditary Cancer Syndrome; Hereditary neoplastic syndrome. Identifiers: Orphanet 140162, MedGen C0027672, MeSH D009386, MONDO:0015356.
Hereditary breast ovarian cancer syndrome. Also called: Hereditary breast and ovarian cancer; Hereditary breast and/or ovarian cancer syndrome; BRCA1- and BRCA2-Associated Hereditary Breast and Ovarian Cancer; Breast and ovarian cancer; Hereditary breast and ovarian cancer syndrome; Hereditary breast and ovarian cancer syndrome (HBOC). Identifiers: Orphanet 145, MedGen C0677776, MeSH D061325, MONDO:0003582. Disease mechanism: loss of function.
Hereditary nonpolyposis colorectal neoplasms. Identifiers: MedGen C0009405, MeSH D003123.

Allele frequency attached by ClinVar (database versions not stated): gnomAD exomes below 0.00001.
gnomAD v4.1: 1 of 1,612,016 alleles (0.000062%); highest among the groups gnomAD compares: Non-Finnish European, 0.000085%; no homozygotes.

Submissions (4):

Ambry Genetics
Classification: Uncertain significance for Hereditary cancer-predisposing syndrome. Last evaluated: 2025-07-09. Review status: criteria provided, single submitter. Criteria: Ambry Variant Classification Scheme 2023. Collection method: clinical testing. Allele origin: germline.
Comment: The p.Q1048R variant (also known as c.3143A>G), located in coding exon 4 of the MSH6 gene, results from an A to G substitution at nucleotide position 3143. The glutamine at codon 1048 is replaced by arginine, an amino acid with highly similar properties. This amino acid position is not well conserved in available vertebrate species. In addition, the in silico prediction for this alteration is inconclusive. Based on the available evidence, the clinical significance of this variant remains unclear.

Blueprint Genetics
Classification: Uncertain significance. Last evaluated: 2024-11-05. Review status: criteria provided, single submitter. Criteria: ACMG Guidelines, 2015. Collection method: clinical testing. Allele origin: germline.

Labcorp Genetics (formerly Invitae), Labcorp
Classification: Uncertain significance for Hereditary nonpolyposis colorectal neoplasms. Last evaluated: 2022-08-24. Review status: criteria provided, single submitter. Criteria: Invitae Variant Classification Sherloc (09022015). Collection method: clinical testing. Allele origin: germline.
Comment: This sequence change replaces glutamine, which is neutral and polar, with arginine, which is basic and polar, at codon 1048 of the MSH6 protein (p.Gln1048Arg). This variant is not present in population databases (gnomAD no frequency). This variant has not been reported in the literature in individuals affected with MSH6-related conditions. ClinVar contains an entry for this variant (Variation ID: 822981). Advanced modeling of protein sequence and biophysical properties (such as structural, functional, and spatial information, amino acid conservation, physicochemical variation, residue mobility, and thermodynamic stability) performed at Invitae indicates that this missense variant is not expected to disrupt MSH6 protein function. In summary, the available evidence is currently insufficient to determine the role of this variant in disease. Therefore, it has been classified as a Variant of Uncertain Significance.

Cancer Genomics Group, Japanese Foundation For Cancer Research
Classification: Uncertain significance for Hereditary breast and ovarian cancer syndrome. Last evaluated: 2019-05-01. Review status: criteria provided, single submitter. Criteria: ACMG Guidelines, 2015. Collection method: research. Allele origin: germline. Affected: yes.

NM_000179.3(MSH6):c.3143A>G (p.Gln1048Arg)

Gene: MSH6 (mutS homolog 6; plus strand). Cytogenetic location: 2p16.3.
Variant type: single nucleotide variant.
Coding change: c.3143A>G on transcript NM_000179.3 (MANE Select); coding-DNA position 3143, A replaced by G.
Protein change: p.Gln1048Arg; replaces glutamine 1048 with arginine.
Molecular consequence: missense variant.
Genome position (GRCh38, 1-based): chr2:47,801,126, A>G. VCF-style: chr2-47801126-A-G. GRCh37 (hg19) VCF-style: chr2-48028265-A-G.
Other names: c.2753A>G, p.Gln918Arg (NM_001281492.2); c.2237A>G, p.Gln746Arg (NM_001281493.2, NM_001281494.2); short protein forms Q918R, Q1048R, Q746R.
Identifiers: ClinVar variation 822981 (VCV000822981.10), dbSNP rs1572730351, ClinGen allele CA346756694.
Genomic context (GRCh38, chr2:47,801,126, plus strand): 5'-CATTGAAGGACTGCATGCGGCGACTGTTCTATAACTTTGATAAAAATTACAAGGACTGGC[A>G]GTCTGCTGTAGAGTGTATCGCAGTGTTGGGTAAGACTTTGAACAAGCTTGTTCTCAGGCT-3'
Protein context (NP_000170.1, residues 1038-1058): YNFDKNYKDW[Gln1048Arg]SAVECIAVLD